The following is an entry in ClinVar:

NM_000059.4(BRCA2):c.5419G>C (p.Asp1807His)

Gene: BRCA2 (BRCA2 DNA repair associated; plus strand). Cytogenetic location: 13q13.1.
Variant type: single nucleotide variant.
Coding change: c.5419G>C on transcript NM_000059.4 (MANE Select); coding-DNA position 5419, G replaced by C.
Protein change: p.Asp1807His; replaces aspartic acid 1807 with histidine.
Molecular consequence: missense variant. On other transcripts: non-coding transcript variant (1), intron variant (2).
Genome position (GRCh38, 1-based): chr13:32,339,774, G>C. VCF-style: chr13-32339774-G-C. GRCh37 (hg19) VCF-style: chr13-32913911-G-C.
Other names: c.5419G>C, p.Asp1807His (NM_001406719.1, NM_001406720.1); c.1910-4784G>C (NM_001406721.1); c.425-4784G>C (NM_001406722.1); short protein forms D1807H.
Identifiers: ClinVar variation 2501027 (VCV002501027.1), dbSNP rs2137517363, ClinGen allele CA387785408.
Genomic context (GRCh38, chr13:32,339,774, plus strand): 5'-TTTTCCAAAGTAATATCCAATGTAAAAGATGCAAATGCATACCCACAAACTGTAAATGAA[G>C]ATATTTGCGTTGAGGAACTTGTGACTAGCTCTTCACCCTGCAAAAATAAAAATGCAGCCA-3'
Protein context (NP_000050.3, residues 1797-1817): ANAYPQTVNE[Asp1807His]ICVEELVTSS

ClinVar aggregate classification (germline): Uncertain significance (1 of 4 stars; one submission).

Submission:

Women's Health and Genetics/Laboratory Corporation of America, LabCorp
Classification: Uncertain significance. Last evaluated: 2023-03-09. Review status: criteria provided, single submitter. Criteria: LabCorp Variant Classification Summary - May 2015. Collection method: clinical testing. Allele origin: germline.
Comment: Variant summary: BRCA2 c.5419G>C (p.Asp1807His) results in a non-conservative amino acid change in the encoded protein sequence. Three of five in-silico tools predict a benign effect of the variant on protein function. The variant was absent in 251180 control chromosomes. The available data on variant occurrences in the general population are insufficient to allow any conclusion about variant significance. To our knowledge, no occurrence of c.5419G>C in individuals affected with Hereditary Breast And Ovarian Cancer Syndrome and no experimental evidence demonstrating its impact on protein function have been reported. No clinical diagnostic laboratories have submitted clinical-significance assessments for this variant to ClinVar after 2014. Based on the evidence outlined above, the variant was classified as uncertain significance.

Literature cited by the submitters: PubMed 30287823.